The following is an entry in ClinVar:

NM_201596.3(CACNB2):c.1925T>C (p.Ile642Thr)

Gene: CACNB2 (calcium voltage-gated channel auxiliary subunit beta 2; plus strand). Cytogenetic location: 10p12.31.
Variant type: single nucleotide variant.
Coding change: c.1925T>C on transcript NM_201596.3 (MANE Select); coding-DNA position 1925, T replaced by C.
Protein change: p.Ile642Thr; replaces isoleucine 642 with threonine.
Molecular consequence: missense variant.
Genome position (GRCh38, 1-based): chr10:18,539,666, T>C. VCF-style: chr10-18539666-T-C. GRCh37 (hg19) VCF-style: chr10-18828595-T-C.
Other names: c.1760T>C, p.Ile587Thr (NM_000724.4); c.1727T>C, p.Ile576Thr (NM_001167945.2); c.1646T>C, p.Ile549Thr (NM_001330060.2); c.1781T>C, p.Ile594Thr (NM_201570.3); c.1841T>C, p.Ile614Thr (NM_201571.4); c.1769T>C, p.Ile590Thr (NM_201572.4); c.1763T>C, p.Ile588Thr (NM_201590.3); c.1811T>C, p.Ile604Thr (NM_201593.3); and 1 more; short protein forms I588T, I642T, I594T, I604T, I587T, I590T, I549T, I614T.
Identifiers: ClinVar variation 469643 (VCV000469643.8), dbSNP rs1554843232, ClinGen allele CA376072836.

ClinVar aggregate classification (germline): Uncertain significance. Review status: criteria provided, multiple submitters, no conflicts (2 of 4 stars). 2 submissions from 2 submitters: Uncertain significance (2). Last evaluated 2025-12-28.

Conditions:
Brugada syndrome 4 (BRGDA4). Identifiers: Orphanet 130, MedGen C2678477, MONDO:0012743, OMIM 611876.
Cardiovascular phenotype. Identifiers: MedGen CN230736.

Allele frequency attached by ClinVar (database versions not stated): gnomAD exomes below 0.00001 and 0.00001.
gnomAD v4.1: 12 of 1,611,836 alleles (0.00074%); highest among the groups gnomAD compares: Non-Finnish European, 0.00093%; no homozygotes.

Submissions (2):

Labcorp Genetics (formerly Invitae), Labcorp
Classification: Uncertain significance for Brugada syndrome 4. Last evaluated: 2025-12-28. Review status: criteria provided, single submitter. Criteria: Invitae Variant Classification Sherloc (09022015). Collection method: clinical testing. Allele origin: germline.
Comment: This sequence change replaces isoleucine, which is neutral and non-polar, with threonine, which is neutral and polar, at codon 588 of the CACNB2 protein (p.Ile588Thr). This variant is present in population databases (no rsID available, gnomAD 0.0009%). This variant has not been reported in the literature in individuals affected with CACNB2-related conditions. ClinVar contains an entry for this variant (Variation ID: 469643). An algorithm developed to predict the effect of missense changes on protein structure and function outputs the following: PolyPhen-2: "Benign". The threonine amino acid residue is found in multiple mammalian species, which suggests that this missense change does not adversely affect protein function. In summary, the available evidence is currently insufficient to determine the role of this variant in disease. Therefore, it has been classified as a Variant of Uncertain Significance.

Ambry Genetics
Classification: Uncertain significance for Cardiovascular phenotype. Last evaluated: 2021-07-19. Review status: criteria provided, single submitter. Criteria: Ambry Variant Classification Scheme 2023. Collection method: clinical testing. Allele origin: germline.
Comment: The p.I588T variant (also known as c.1763T>C), located in coding exon 13 of the CACNB2 gene, results from a T to C substitution at nucleotide position 1763. The isoleucine at codon 588 is replaced by threonine, an amino acid with similar properties. This amino acid position is not well conserved in available vertebrate species, and threonine is the reference amino acid in other vertebrate species. In addition, this alteration is predicted to be tolerated by in silico analysis. Since supporting evidence is limited at this time, the clinical significance of this alteration remains unclear.